The following is an entry in ClinVar:

NM_032888.4(COL27A1):c.3478C>T (p.Leu1160Phe)

Gene: COL27A1 (collagen type XXVII alpha 1 chain; plus strand). Cytogenetic location: 9q32.
Variant type: single nucleotide variant.
Coding change: c.3478C>T on transcript NM_032888.4 (MANE Select); coding-DNA position 3478, C replaced by T.
Protein change: p.Leu1160Phe; replaces leucine 1160 with phenylalanine.
Molecular consequence: missense variant.
Genome position (GRCh38, 1-based): chr9:114,267,534, C>T. VCF-style: chr9-114267534-C-T. GRCh37 (hg19) VCF-style: chr9-117029814-C-T.
Other names: c.3478C>T (NM_032888.2); short protein forms L1160F.
Identifiers: ClinVar variation 2198644 (VCV002198644.23), dbSNP rs373214163, ClinGen allele CA5202502.

ClinVar aggregate classification (germline): Uncertain significance. Review status: criteria provided, multiple submitters, no conflicts (2 of 4 stars). 3 submissions from 3 submitters: Uncertain significance (3). Last evaluated 2025-09-24.

Conditions:
Inborn genetic diseases. Identifiers: MedGen C0950123, MeSH D030342.

Allele frequency attached by ClinVar (database versions not stated): gnomAD 0.00003; gnomAD exomes 0.00003; TOPMed 0.00003; ExAC 0.00004; ESP Exome Variant Server 0.00008; 1000 Genomes Project 30x 0.00016; 1000 Genomes Project 0.00020.
gnomAD v4.1: 54 of 1,596,064 alleles (0.0034%); highest among the groups gnomAD compares: Middle Eastern, 0.1%; no homozygotes.

Submissions (3):

Ambry Genetics
Classification: Uncertain significance for Inborn genetic diseases. Last evaluated: 2025-09-24. Review status: criteria provided, single submitter. Criteria: Ambry Variant Classification Scheme 2023. Collection method: clinical testing. Allele origin: germline.

CeGaT Center for Human Genetics Tuebingen
Classification: Uncertain significance. Last evaluated: 2024-04-01. Review status: criteria provided, single submitter. Criteria: CeGaT Center For Human Genetics Tuebingen Variant Classification Criteria Version 2. Collection method: clinical testing. Allele origin: germline. Affected: yes. Observed: 2 variant alleles.
Comment: COL27A1: PM2, BP4

Labcorp Genetics (formerly Invitae), Labcorp
Classification: Uncertain significance. Last evaluated: 2022-03-04. Review status: criteria provided, single submitter. Criteria: Invitae Variant Classification Sherloc (09022015). Collection method: clinical testing. Allele origin: germline.
Comment: This sequence change replaces leucine, which is neutral and non-polar, with phenylalanine, which is neutral and non-polar, at codon 1160 of the COL27A1 protein (p.Leu1160Phe). This variant is present in population databases (rs373214163, gnomAD 0.04%). This variant has not been reported in the literature in individuals affected with COL27A1-related conditions. Advanced modeling of protein sequence and biophysical properties (such as structural, functional, and spatial information, amino acid conservation, physicochemical variation, residue mobility, and thermodynamic stability) performed at Invitae indicates that this missense variant is not expected to disrupt COL27A1 protein function. In summary, the available evidence is currently insufficient to determine the role of this variant in disease. Therefore, it has been classified as a Variant of Uncertain Significance.